The following is an entry in ClinVar:

ClinVar aggregate classification (germline): Uncertain significance (1 of 4 stars; one submission).

Allele frequency attached by ClinVar (database versions not stated): gnomAD exomes below 0.00001 and 0.00001; TOPMed below 0.00001; ExAC 0.00001; ESP Exome Variant Server 0.00008.
gnomAD v4.1: 16 of 1,613,644 alleles (0.00099%); highest among the groups gnomAD compares: Non-Finnish European, 0.0014%; no homozygotes.

Submission:

Labcorp Genetics (formerly Invitae), Labcorp
Classification: Uncertain significance. Last evaluated: 2022-07-12. Review status: criteria provided, single submitter. Criteria: Invitae Variant Classification Sherloc (09022015). Collection method: clinical testing. Allele origin: germline.
Comment: In summary, the available evidence is currently insufficient to determine the role of this variant in disease. Therefore, it has been classified as a Variant of Uncertain Significance. Algorithms developed to predict the effect of sequence changes on RNA splicing suggest that this variant may create or strengthen a splice site. Algorithms developed to predict the effect of missense changes on protein structure and function are either unavailable or do not agree on the potential impact of this missense change (SIFT: "Deleterious"; PolyPhen-2: "Possibly Damaging"; Align-GVGD: "Class C0"). ClinVar contains an entry for this variant (Variation ID: 1387650). This variant has not been reported in the literature in individuals affected with ZNF341-related conditions. This variant is present in population databases (rs371062629, gnomAD 0.0009%). This sequence change replaces arginine, which is basic and polar, with tryptophan, which is neutral and slightly polar, at codon 598 of the ZNF341 protein (p.Arg598Trp).

NM_001282933.2(ZNF341):c.1813C>T (p.Arg605Trp)

Gene: ZNF341 (zinc finger protein 341; plus strand). Cytogenetic location: 20q11.22.
Variant type: single nucleotide variant.
Coding change: c.1813C>T on transcript NM_001282933.2 (MANE Select); coding-DNA position 1813, C replaced by T.
Protein change: p.Arg605Trp; replaces arginine 605 with tryptophan.
Molecular consequence: missense variant. On other transcripts: non-coding transcript variant (1).
Genome position (GRCh38, 1-based): chr20:33,783,825, C>T. VCF-style: chr20-33783825-C-T. GRCh37 (hg19) VCF-style: chr20-32371631-C-T.
Other names: c.1543C>T, p.Arg515Trp (NM_001282935.2); c.1792C>T, p.Arg598Trp (NM_032819.5); short protein forms R598W, R515W, R605W.
Identifiers: ClinVar variation 1387650 (VCV001387650.4), dbSNP rs371062629, ClinGen allele CA9819560.